The following is an entry in ClinVar:

ClinVar aggregate classification (germline): Uncertain significance. Review status: criteria provided, multiple submitters, no conflicts (2 of 4 stars). 2 submissions from 2 submitters: Uncertain significance (2). Last evaluated 2023-12-19.

Conditions:
Inborn genetic diseases. Identifiers: MedGen C0950123, MeSH D030342.

Allele frequency attached by ClinVar (database versions not stated): gnomAD exomes below 0.00001 and 0.00001; gnomAD 0.00004 and 0.00005; TOPMed 0.00007.

Submissions (2):

Ambry Genetics
Classification: Uncertain significance for Inborn genetic diseases. Last evaluated: 2023-12-19. Review status: criteria provided, single submitter. Criteria: Ambry Variant Classification Scheme 2023. Collection method: clinical testing. Allele origin: germline.

Labcorp Genetics (formerly Invitae), Labcorp
Classification: Uncertain significance. Last evaluated: 2022-07-19. Review status: criteria provided, single submitter. Criteria: Invitae Variant Classification Sherloc (09022015). Collection method: clinical testing. Allele origin: germline.
Comment: This sequence change replaces valine, which is neutral and non-polar, with methionine, which is neutral and non-polar, at codon 38 of the GNPTG protein (p.Val38Met). This variant is present in population databases (no rsID available, gnomAD 0.01%). This variant has not been reported in the literature in individuals affected with GNPTG-related conditions. ClinVar contains an entry for this variant (Variation ID: 1416393). Algorithms developed to predict the effect of missense changes on protein structure and function (SIFT, PolyPhen-2, Align-GVGD) all suggest that this variant is likely to be tolerated. In summary, the available evidence is currently insufficient to determine the role of this variant in disease. Therefore, it has been classified as a Variant of Uncertain Significance.

NM_032520.5(GNPTG):c.112G>A (p.Val38Met)

Gene: GNPTG (N-acetylglucosamine-1-phosphate transferase subunit gamma; plus strand). Cytogenetic location: 16p13.3.
Variant type: single nucleotide variant.
Coding change: c.112G>A on transcript NM_032520.5 (MANE Select); coding-DNA position 112, G replaced by A.
Protein change: p.Val38Met; replaces valine 38 with methionine.
Molecular consequence: missense variant.
Genome position (GRCh38, 1-based): chr16:1,352,240, G>A. VCF-style: chr16-1352240-G-A. GRCh37 (hg19) VCF-style: chr16-1402241-G-A.
Other names: c.112G>A (NM_032520.4); short protein forms V38M.
Identifiers: ClinVar variation 1416393 (VCV001416393.4), dbSNP rs935869758, ClinGen allele CA276642886.